The following is an entry in ClinVar:

NM_014780.5(CUL7):c.2965T>G (p.Tyr989Asp)

Gene: CUL7 (cullin 7; minus strand). Cytogenetic location: 6p21.1.
Variant type: single nucleotide variant.
Coding change: c.2965T>G on transcript NM_014780.5 (MANE Select); coding-DNA position 2965, T replaced by G.
Protein change: p.Tyr989Asp; replaces tyrosine 989 with aspartic acid.
Molecular consequence: missense variant.
Genome position (GRCh38, 1-based): chr6:43,045,300, A>C on the plus strand (T>G on the coding strand, the complement: CUL7 is on the minus strand). VCF-style: chr6-43045300-A-C. GRCh37 (hg19) VCF-style: chr6-43013038-A-C.
Other names: c.2965T>G (NM_014780.4); c.3061T>G, p.Tyr1021Asp (NM_001168370.2, NM_001374872.1); c.2965T>G, p.Tyr989Asp (NM_001374873.1, NM_001374874.1); short protein forms Y1021D, Y989D.
Identifiers: ClinVar variation 984942 (VCV000984942.2), dbSNP rs1295466248, ClinGen allele CA364208778.

ClinVar aggregate classification (germline): Conflicting classifications of pathogenicity. Review status: criteria provided, conflicting classifications (1 of 4 stars). 2 submissions from 2 submitters: Likely pathogenic (1); Uncertain significance (1). Last evaluated 2025-06-24.

Conditions:
Inborn genetic diseases. Identifiers: MedGen C0950123, MeSH D030342.
3M syndrome 1. Also called: 3-M Syndrome, CUL7-Related. Identifiers: Orphanet 2616, MedGen C2678312, MONDO:0010117, OMIM 273750.

Allele frequency attached by ClinVar (database versions not stated): gnomAD exomes below 0.00001 and 0.00001.
gnomAD v4.1: 2 of 1,614,180 alleles (0.00012%); highest among the groups gnomAD compares: Admixed American, 0.0033%; no homozygotes.

Submissions (2):

Ambry Genetics
Classification: Uncertain significance for Inborn genetic diseases. Last evaluated: 2025-06-24. Review status: criteria provided, single submitter. Criteria: Ambry Variant Classification Scheme 2023. Collection method: clinical testing. Allele origin: germline.

Rady Children's Institute for Genomic Medicine, Rady Children's Hospital San Diego
Classification: Likely pathogenic for THREE M SYNDROME 1. Last evaluated: 2019-11-22. Review status: criteria provided, single submitter. Criteria: ACMG Guidelines, 2015. Collection method: clinical testing. Allele origin: germline. Affected: yes.
Comment: This variant has not been previously reported or functionally characterized in the literature to our knowledge. It is present in the heterozygous state in the gnomAD population database at a frequency of 0.001% (3/282848) and thus is presumed to be rare. The c.3217T>G (p.Tyr1073Asp) variant affects a highly conserved amino acid and is predicted by multiple in silico tools to have a deleterious effect on protein function. Based on the available evidence, the c.3217T>G (p.Tyr1073Asp) variant is classified as Likely Pathogenic.